The following is an entry in ClinVar:

NM_021116.4(ADCY1):c.2295C>T (p.Leu765=)

Gene: ADCY1 (adenylate cyclase 1; plus strand). Cytogenetic location: 7p12.3.
Variant type: single nucleotide variant.
Coding change: c.2295C>T on transcript NM_021116.4 (MANE Select); coding-DNA position 2295, C replaced by T.
Protein change: p.Leu765=; no amino-acid change (leucine 765 retained).
Molecular consequence: synonymous variant.
Genome position (GRCh38, 1-based): chr7:45,686,183, C>T. VCF-style: chr7-45686183-C-T. GRCh37 (hg19) VCF-style: chr7-45725782-C-T.
Identifiers: ClinVar variation 1318396 (VCV001318396.9), dbSNP rs189182716, ClinGen allele CA4249187.
Genomic context (GRCh38, chr7:45,686,183, plus strand): 5'-CCGGGTGTCCTCCTTGCCAAAAATGATCCTGCTCTCCGGGCTCACCACGTCCTACATCCT[C>T]GTTCTGGAGCTCAGCGGATACACCAGGACTGGGTAAGTGTGTGGCTCCTCAAGAAAAAGG-3'
Protein context (NP_066939.1, residues 755-775): LLSGLTTSYI[Leu765=]VLELSGYTRT

ClinVar aggregate classification (germline): Benign/Likely benign. Review status: criteria provided, multiple submitters, no conflicts (2 of 4 stars). 5 submissions from 5 submitters: Benign (1); Likely benign (3). 1 of the submissions does not count toward it. Last evaluated 2024-11-11.

Conditions:
ADCY1-related disorder. Also called: ADCY1-related condition.

Allele frequency attached by ClinVar (database versions not stated): gnomAD 0.00008 and 0.00015; TOPMed 0.00011; 1000 Genomes Project 0.00160; 1000 Genomes Project 30x 0.00203.
gnomAD v4.1: 153 of 1,614,120 alleles (0.0095%); highest among the groups gnomAD compares: East Asian, 0.19%; no homozygotes.

Submissions (5):

Blueprint Genetics
Classification: Likely benign. Last evaluated: 2024-11-11. Review status: criteria provided, single submitter. Criteria: ACMG Guidelines, 2015. Collection method: clinical testing. Allele origin: germline.

Labcorp Genetics (formerly Invitae), Labcorp
Classification: Benign. Last evaluated: 2023-08-17. Review status: criteria provided, single submitter. Criteria: Invitae Variant Classification Sherloc (09022015). Collection method: clinical testing. Allele origin: germline.

GeneDx
Classification: Likely benign. Last evaluated: 2021-08-18. Review status: criteria provided, single submitter. Criteria: GeneDx Variant Classification Process June 2021. Collection method: clinical testing. Allele origin: germline. Affected: yes.

Breakthrough Genomics
Classification: Likely benign. Review status: criteria provided, single submitter. Criteria: ACMG Guidelines, 2015. Collection method: not provided. Allele origin: germline. Inheritance: Autosomal recessive inheritance. Affected: yes.

PreventionGenetics, part of Exact Sciences
Classification: Likely benign for ADCY1-related condition. Last evaluated: 2023-12-15. Review status: no assertion criteria provided. Collection method: clinical testing. Allele origin: germline. Not counted in ClinVar's aggregate classification.
Comment: This variant is classified as likely benign based on ACMG/AMP sequence variant interpretation guidelines (Richards et al. 2015 PMID: 25741868, with internal and published modifications).